The following is an entry in ClinVar:

NM_032575.3(GLIS2):c.1327G>A (p.Glu443Lys)

Gene: GLIS2 (GLIS family zinc finger 2; plus strand). Cytogenetic location: 16p13.3.
Variant type: single nucleotide variant.
Coding change: c.1327G>A on transcript NM_032575.3 (MANE Select); coding-DNA position 1327, G replaced by A.
Protein change: p.Glu443Lys; replaces glutamic acid 443 with lysine.
Molecular consequence: missense variant.
Genome position (GRCh38, 1-based): chr16:4,337,276, G>A. VCF-style: chr16-4337276-G-A. GRCh37 (hg19) VCF-style: chr16-4387277-G-A.
Other names: c.1327G>A, p.Glu443Lys (NM_001318918.2); short protein forms E443K.
Identifiers: ClinVar variation 2065864 (VCV002065864.5), dbSNP rs936495180, ClinGen allele CA277078326.
Genomic context (GRCh38, chr16:4,337,276, plus strand): 5'-GCTGGCGGACTGGGCTTGCCTGTGGTCTCCCTCCTTGCTGGCGCAGCTGGTGGCAAGGCC[G>A]AGGGGGAGAAGGGGCGTGGGTCGGTGCCCACCAGGGCCCTGGGCATGGAGGGCCACAAGA-3'
Protein context (NP_115964.2, residues 433-453): LLAGAAGGKA[Glu443Lys]GEKGRGSVPT

ClinVar aggregate classification (germline): Uncertain significance. Review status: criteria provided, multiple submitters, no conflicts (2 of 4 stars). 2 submissions from 2 submitters: Uncertain significance (2). Last evaluated 2024-01-09.

Conditions:
Nephronophthisis. Also called: Juvenile Nephronophthisis. Identifiers: Orphanet 655, MedGen C0687120, MONDO:0019005, HP:0000090.
Nephronophthisis 7 (NPHP7). Identifiers: Orphanet 655, MedGen C1969092, MONDO:0012680, OMIM 611498.

Allele frequency attached by ClinVar (database versions not stated): TOPMed 0.00003.

Submissions (2):

Fulgent Genetics
Classification: Uncertain significance for Nephronophthisis 7. Last evaluated: 2024-01-09. Review status: criteria provided, single submitter. Criteria: ACMG Guidelines, 2015. Collection method: clinical testing. Allele origin: germline.

Labcorp Genetics (formerly Invitae), Labcorp
Classification: Uncertain significance for Nephronophthisis. Last evaluated: 2022-08-08. Review status: criteria provided, single submitter. Criteria: Invitae Variant Classification Sherloc (09022015). Collection method: clinical testing. Allele origin: germline.
Comment: In summary, the available evidence is currently insufficient to determine the role of this variant in disease. Therefore, it has been classified as a Variant of Uncertain Significance. Algorithms developed to predict the effect of missense changes on protein structure and function are either unavailable or do not agree on the potential impact of this missense change (SIFT: "Deleterious"; PolyPhen-2: "Not Available"; Align-GVGD: "Class C15"). This variant has not been reported in the literature in individuals affected with GLIS2-related conditions. The frequency data for this variant in the population databases is considered unreliable, as metrics indicate poor data quality at this position in the gnomAD database. This sequence change replaces glutamic acid, which is acidic and polar, with lysine, which is basic and polar, at codon 443 of the GLIS2 protein (p.Glu443Lys).